The following is an entry in ClinVar:

NM_001448.3(GPC4):c.1518_1521dup (p.Pro508fs)

Gene: GPC4 (glypican 4; minus strand). Cytogenetic location: Xq26.2.
Variant type: Duplication.
Coding change: c.1518_1521dup on transcript NM_001448.3 (MANE Select); coding-DNA positions 1518 to 1521, 4 bases duplicated (GTGC; older notation c.1518_1521dupGTGC).
Protein change: p.Pro508fs; shifts the reading frame from proline 508.
Molecular consequence: frameshift variant.
Genome position (GRCh38, 1-based): chrX:133,303,017-133,303,020, GCAC duplicated on the plus strand (GTGC on the coding strand, the reverse complement: GPC4 is on the minus strand). VCF-style (leftmost placement, unchanged base first): chrX-133303016-G-GGCAC. GRCh37 (hg19) VCF-style: chrX-132437044-G-GGCAC.
Other names: c.1518_1521dupGTGC (NM_001448.2); short protein forms P508fs.
Identifiers: ClinVar variation 626360 (VCV000626360.2), dbSNP rs1569339879, ClinGen allele CA913190936.

ClinVar aggregate classification (germline): Pathogenic (0 of 4 stars; one submission).

Conditions:
Keipert syndrome (KPTS). Identifiers: Orphanet 2662, MedGen C1850627, MONDO:0009720, OMIM 301026.

Submission:

Neurogenetics Research; Murdoch Childrens Research Institute
Classification: Pathogenic for NASODIGITOACOUSTIC SYNDROME. Last evaluated: 2019-02-01. Review status: no assertion criteria provided. Collection method: research. Allele origin: maternal. Affected: yes.
Comment: Pathogenic variants in GPC4 cause Keipert syndrome (nasodigitoacoustic syndrome)